The following is an entry in ClinVar:

NM_014314.4(RIGI):c.1588G>A (p.Glu530Lys)

Gene: RIGI (RNA sensor RIG-I; minus strand). Cytogenetic location: 9p21.1.
Variant type: single nucleotide variant.
Coding change: c.1588G>A on transcript NM_014314.4 (MANE Select); coding-DNA position 1588, G replaced by A.
Protein change: p.Glu530Lys; replaces glutamic acid 530 with lysine.
Molecular consequence: missense variant.
Genome position (GRCh38, 1-based): chr9:32,481,390, C>T on the plus strand (G>A on the coding strand, the complement: RIGI is on the minus strand). VCF-style: chr9-32481390-C-T. GRCh37 (hg19) VCF-style: chr9-32481388-C-T.
Other names: c.1582G>A, p.Glu528Lys (NM_001385907.1); c.1588G>A, p.Glu530Lys (NM_001385909.1); c.1147G>A, p.Glu383Lys (NM_001385910.1); c.979G>A, p.Glu327Lys (NM_001385912.1); c.1573G>A, p.Glu525Lys (NM_001385913.1); c.1144G>A, p.Glu382Lys (NM_001385914.1); short protein forms E327K, E382K, E383K, E525K, E528K, E530K.
Identifiers: ClinVar variation 1315087 (VCV001315087.2), dbSNP rs2118768435, ClinGen allele CA373152690.

ClinVar aggregate classification (germline): Uncertain significance (1 of 4 stars; one submission).

Submission:

GeneDx
Classification: Uncertain significance. Last evaluated: 2020-01-27. Review status: criteria provided, single submitter. Criteria: GeneDx Variant Classification Process June 2021. Collection method: clinical testing. Allele origin: germline. Affected: yes.
Comment: Not observed in large population cohorts (Lek et al., 2016); In silico analysis, which includes protein predictors and evolutionary conservation, supports that this variant does not alter protein structure/function; Has not been previously published as pathogenic or benign to our knowledge